The following is an entry in ClinVar:

ClinVar aggregate classification (germline): Uncertain significance (1 of 4 stars; one submission).

Submission:

Labcorp Genetics (formerly Invitae), Labcorp
Classification: Uncertain significance. Last evaluated: 2024-03-19. Review status: criteria provided, single submitter. Criteria: Invitae Variant Classification Sherloc (09022015). Collection method: clinical testing. Allele origin: germline.
Comment: This sequence change replaces arginine, which is basic and polar, with glycine, which is neutral and non-polar, at codon 373 of the DISP1 protein (p.Arg373Gly). This variant is present in population databases (rs377667175, gnomAD 0.002%). This variant has not been reported in the literature in individuals affected with DISP1-related conditions. An algorithm developed to predict the effect of missense changes on protein structure and function (PolyPhen-2) suggests that this variant is likely to be tolerated. In summary, the available evidence is currently insufficient to determine the role of this variant in disease. Therefore, it has been classified as a Variant of Uncertain Significance.

NM_001377229.1(DISP1):c.1117C>G (p.Arg373Gly)

Gene: DISP1 (dispatched RND transporter family member 1; plus strand). Cytogenetic location: 1q41.
Variant type: single nucleotide variant.
Coding change: c.1117C>G on transcript NM_001377229.1 (MANE Select); coding-DNA position 1117, C replaced by G.
Protein change: p.Arg373Gly; replaces arginine 373 with glycine.
Molecular consequence: missense variant.
Genome position (GRCh38, 1-based): chr1:223,002,514, C>G. VCF-style: chr1-223002514-C-G. GRCh37 (hg19) VCF-style: chr1-223175856-C-G.
Other names: c.388C>G, p.Arg130Gly (NM_001350630.2); c.1117C>G, p.Arg373Gly (NM_001369594.1, NM_001377228.1, NM_032890.5); short protein forms R130G, R373G.
Identifiers: ClinVar variation 3710704 (VCV003710704.2).